The following is an entry in ClinVar:

NM_199420.4(POLQ):c.7574T>C (p.Met2525Thr)

Gene: POLQ (DNA polymerase theta; minus strand). Cytogenetic location: 3q13.33.
Variant type: single nucleotide variant.
Coding change: c.7574T>C on transcript NM_199420.4 (MANE Select); coding-DNA position 7574, T replaced by C.
Protein change: p.Met2525Thr; replaces methionine 2525 with threonine.
Molecular consequence: missense variant.
Genome position (GRCh38, 1-based): chr3:121,433,003, A>G on the plus strand (T>C on the coding strand, the complement: POLQ is on the minus strand). VCF-style: chr3-121433003-A-G. GRCh37 (hg19) VCF-style: chr3-121151850-A-G.
Other names: short protein forms M2525T.
Identifiers: ClinVar variation 1759590 (VCV001759590.2), dbSNP rs1472714024, ClinGen allele CA354093928.
Genomic context (GRCh38, chr3:121,433,003, plus strand): 5'-TCATATAGGAGTTCATCATGGAGTTGAAGGATGAAGAAGCCTCCTCTGATTGGGCAGAAC[A>G]TCCCTTGCAGTTTTCTCTTTCGTGACAATCCTACTTCATGAAAAAGGAGCAAAACTGATC-3'
Protein context (NP_955452.3, residues 2515-2535): GLSRKRKLQG[Met2525Thr]FCPIRGGFFI

ClinVar aggregate classification (germline): Uncertain significance (1 of 4 stars; one submission).

Allele frequency attached by ClinVar (database versions not stated): gnomAD exomes below 0.00001.
gnomAD v4.1: 1 of 1,611,578 alleles (0.000062%); highest among the groups gnomAD compares: South Asian, 0.0011%; no homozygotes.

Submission:

Ambry Genetics
Classification: Uncertain significance. Last evaluated: 2022-07-12. Review status: criteria provided, single submitter. Criteria: Ambry Variant Classification Scheme 2023. Collection method: clinical testing. Allele origin: germline.
Comment: The p.M2525T variant (also known as c.7574T>C), located in coding exon 29 of the POLQ gene, results from a T to C substitution at nucleotide position 7574. The methionine at codon 2525 is replaced by threonine, an amino acid with similar properties. This amino acid position is conserved. In addition, this alteration is predicted to be tolerated by in silico analysis. Since supporting evidence is limited at this time, the clinical significance of this alteration remains unclear.